The following is an entry in ClinVar:

ClinVar aggregate classification (germline): Likely pathogenic (1 of 4 stars; one submission).

Conditions:
Bardet-Biedl syndrome 1 (BBS1). Identifiers: MedGen C2936862, MONDO:0008854, OMIM 209900. Disease mechanism: loss of function.

gnomAD v4.1: 1 of 1,614,138 alleles (0.000062%); highest among the groups gnomAD compares: Non-Finnish European, 0.000085%; no homozygotes.

Submission:

Myriad Genetics, Inc.
Classification: Likely pathogenic for Bardet-Biedl syndrome 1. Last evaluated: 2020-02-15. Review status: criteria provided, single submitter. Criteria: Myriad Women's Health Autosomal Recessive and X-Linked Classification Criteria (2019). Collection method: clinical testing. Allele origin: unknown.
Comment: NM_024649.4(BBS1):c.1143C>A(Y381*) is expected to be pathogenic in the context of Bardet-Biedl syndrome, BBS1-related. This variant is predicted to lead to an abnormal or absent protein product due to the creation of a premature termination codon in BBS1, a gene where loss-of-function variants are known to be pathogenic. Please note: this variant was assessed in the context of healthy population screening.

NM_024649.5(BBS1):c.1143C>A (p.Tyr381Ter)

Genes: BBS1 (Bardet-Biedl syndrome 1; plus strand), ZDHHC24 (zDHHC palmitoyltransferase 24; minus strand). Cytogenetic location: 11q13.2.
Variant type: single nucleotide variant.
Coding change: c.1143C>A on transcript NM_024649.5 (MANE Select); coding-DNA position 1143, C replaced by A.
Protein change: p.Tyr381Ter; replaces tyrosine 381 with a stop codon.
Molecular consequence: nonsense. On other transcripts: intron variant (1).
Genome position (GRCh38, 1-based): chr11:66,526,155, C>A. VCF-style: chr11-66526155-C-A. GRCh37 (hg19) VCF-style: chr11-66293626-C-A.
Other names: c.*21+781G>T (NM_001348571.2); short protein forms Y381*.
Identifiers: ClinVar variation 983999 (VCV000983999.5), dbSNP rs1021331909, ClinGen allele CA381422211.